The following is an entry in ClinVar:

NM_001178015.2(SLC4A10):c.682A>T (p.Lys228Ter)

Gene: SLC4A10 (solute carrier family 4 member 10; plus strand). Cytogenetic location: 2q24.2.
Variant type: single nucleotide variant.
Coding change: c.682A>T on transcript NM_001178015.2 (MANE Select); coding-DNA position 682, A replaced by T.
Protein change: p.Lys228Ter; replaces lysine 228 with a stop codon.
Molecular consequence: nonsense.
Genome position (GRCh38, 1-based): chr2:161,862,978, A>T. VCF-style: chr2-161862978-A-T. GRCh37 (hg19) VCF-style: chr2-162719488-A-T.
Other names: c.715A>T, p.Lys239Ter (NM_001178016.2, NM_001354441.2, NM_001354442.2 and 2 more transcripts); c.682A>T, p.Lys228Ter (NM_001354440.2, NM_001354444.2, NM_001354446.2 and 4 more transcripts); c.718A>T, p.Lys240Ter (NM_001354443.2, NM_001354447.2, NM_001354460.2 and 1 more transcripts); c.535A>T, p.Lys179Ter (NM_001354453.2); c.103A>T, p.Lys35Ter (NM_001354455.2); short protein forms K179*, K228*, K239*, K240*, K35*.
Identifiers: ClinVar variation 2574983 (VCV002574983.1), dbSNP rs2470108722, ClinGen allele CA349219966.

ClinVar aggregate classification (germline): Uncertain significance (1 of 4 stars; one submission).

Submission:

GeneDx
Classification: Uncertain significance. Last evaluated: 2022-12-29. Review status: criteria provided, single submitter. Criteria: GeneDx Variant Classification Process June 2021. Collection method: clinical testing. Allele origin: germline. Affected: yes.
Comment: Not observed at significant frequency in large population cohorts (gnomAD); Nonsense variant predicted to result in protein truncation or nonsense mediated decay in a gene or region of a gene for which loss of function is not a well-established mechanism of disease; Has not been previously published as pathogenic or benign to our knowledge; Variants in candidate genes are classified as variants of uncertain significance in accordance with ACMG guidelines (Richards et al., 2015)